The following is an entry in ClinVar:

NM_000051.4(ATM):c.3515C>T (p.Ala1172Val)

Gene: ATM (ATM serine/threonine kinase; plus strand). Cytogenetic location: 11q22.3.
Variant type: single nucleotide variant.
Coding change: c.3515C>T on transcript NM_000051.4 (MANE Select); coding-DNA position 3515, C replaced by T.
Protein change: p.Ala1172Val; replaces alanine 1172 with valine.
Molecular consequence: missense variant.
Genome position (GRCh38, 1-based): chr11:108,281,107, C>T. VCF-style: chr11-108281107-C-T. GRCh37 (hg19) VCF-style: chr11-108151834-C-T.
Other names: c.3515C>T, p.Ala1172Val (NM_001351834.2); short protein forms A1172V.
Identifiers: ClinVar variation 947572 (VCV000947572.15), dbSNP rs2082210652, ClinGen allele CA382519964.
Genomic context (GRCh38, chr11:108,281,107, plus strand): 5'-CTGTTTTACTGACGTTGATAGCTGTGGTTTTATCCTGTAGCCCTATCTGCGAAAAACAGG[C>T]TTTGTTTGCCCTGTGTAAATCTGTGAAAGAGAATGGATTAGAACCTCACCTTGTGAAAAA-3'
Protein context (NP_000042.3, residues 1162-1182): LSCSPICEKQ[Ala1172Val]LFALCKSVKE

ClinVar aggregate classification (germline): Uncertain significance. Review status: criteria provided, multiple submitters, no conflicts (2 of 4 stars). 4 submissions from 4 submitters: Uncertain significance (3). 1 of the submissions does not count toward it. Last evaluated 2025-07-14.

Conditions:
Hereditary cancer-predisposing syndrome. Also called: Neoplastic Syndromes, Hereditary; Hereditary neoplastic syndrome; Hereditary Cancer Syndrome; Tumor predisposition. Identifiers: Orphanet 140162, MedGen C0027672, MeSH D009386, MONDO:0015356.
Ataxia-telangiectasia syndrome (AT). Also called: Ataxia-telangiectasia, complementation group E; Ataxia telangiectasia (A-T); LOUIS-BAR SYNDROME; ATAXIA-TELANGIECTASIA, FRESNO VARIANT; AT, COMPLEMENTATION GROUP C; Ataxia-telangiectasia. Identifiers: Orphanet 100, MedGen C0004135, MONDO:0008840, OMIM 208900.
Familial cancer of breast. Also called: BREAST CANCER, FAMILIAL; Hereditary breast cancer; hereditary breast carcinoma. Identifiers: Orphanet 227535, MedGen C0346153, MONDO:0016419, OMIM 114480. Disease mechanism: loss of function.

Allele frequency attached by ClinVar (database versions not stated): gnomAD exomes below 0.00001.
gnomAD v4.1: 1 of 1,613,954 alleles (0.000062%); highest among the groups gnomAD compares: African/African-American, 0.0013%; no homozygotes.

Submissions (4):

Ambry Genetics
Classification: Uncertain significance for Hereditary cancer-predisposing syndrome. Last evaluated: 2025-07-14. Review status: criteria provided, single submitter. Criteria: Ambry Variant Classification Scheme 2023. Collection method: clinical testing. Allele origin: germline.
Comment: The p.A1172V variant (also known as c.3515C>T), located in coding exon 23 of the ATM gene, results from a C to T substitution at nucleotide position 3515. The alanine at codon 1172 is replaced by valine, an amino acid with similar properties. This amino acid position is conserved. In addition, this alteration is predicted to be deleterious by in silico analysis. Based on the available evidence, the clinical significance of this variant remains unclear.

Labcorp Genetics (formerly Invitae), Labcorp
Classification: Uncertain significance for Ataxia-telangiectasia syndrome. Last evaluated: 2025-03-30. Review status: criteria provided, single submitter. Criteria: Invitae Variant Classification Sherloc (09022015). Collection method: clinical testing. Allele origin: germline.
Comment: This sequence change replaces alanine, which is neutral and non-polar, with valine, which is neutral and non-polar, at codon 1172 of the ATM protein (p.Ala1172Val). This variant is not present in population databases (gnomAD no frequency). This variant has not been reported in the literature in individuals affected with ATM-related conditions. ClinVar contains an entry for this variant (Variation ID: 947572). Invitae Evidence Modeling of protein sequence and biophysical properties (such as structural, functional, and spatial information, amino acid conservation, physicochemical variation, residue mobility, and thermodynamic stability) indicates that this missense variant is not expected to disrupt ATM protein function with a negative predictive value of 95%. In summary, the available evidence is currently insufficient to determine the role of this variant in disease. Therefore, it has been classified as a Variant of Uncertain Significance.

Baylor Genetics
Classification: Uncertain significance for Familial cancer of breast. Last evaluated: 2023-07-21. Review status: criteria provided, single submitter. Criteria: ACMG Guidelines, 2015. Collection method: clinical testing. Allele origin: unknown.

Natera, Inc.
Classification: Uncertain significance for Ataxia-telangiectasia. Last evaluated: 2021-05-18. Review status: no assertion criteria provided. Collection method: clinical testing. Allele origin: germline. Not counted in ClinVar's aggregate classification.